The following is an entry in ClinVar:

ClinVar aggregate classification (germline): Uncertain significance (1 of 4 stars; one submission).

Conditions:
Cystic fibrosis (CF). Also called: MUCOVISCIDOSIS. Identifiers: Orphanet 586, MedGen C0010674, MONDO:0009061, OMIM 219700. Disease mechanism: loss of function.

Submission:

Ambry Genetics
Classification: Uncertain significance for Cystic fibrosis. Last evaluated: 2026-06-09. Review status: criteria provided, single submitter. Criteria: Ambry Variant Classification Scheme 2023. Collection method: clinical testing. Allele origin: germline.
Comment: The p.K1389T variant (also known as c.4166A>C), located in coding exon 26 of the CFTR gene, results from an A to C substitution at nucleotide position 4166. The lysine at codon 1389 is replaced by threonine, an amino acid with similar properties. This amino acid position is conserved. In addition, the in silico prediction for this alteration is inconclusive. Based on the available evidence, the clinical significance of this variant remains unclear.

NM_000492.4(CFTR):c.4166A>C (p.Lys1389Thr)

Gene: CFTR (CF transmembrane conductance regulator; plus strand). Cytogenetic location: 7q31.2.
Variant type: single nucleotide variant.
Coding change: c.4166A>C on transcript NM_000492.4 (MANE Select); coding-DNA position 4166, A replaced by C.
Protein change: p.Lys1389Thr; replaces lysine 1389 with threonine.
Molecular consequence: missense variant.
Genome position (GRCh38, 1-based): chr7:117,665,488, A>C. VCF-style: chr7-117665488-A-C. GRCh37 (hg19) VCF-style: chr7-117305542-A-C.
Other names: short protein forms K1389T.
Identifiers: ClinVar variation 4868861 (VCV004868861.1).